The following is an entry in ClinVar:

ClinVar aggregate classification (germline): Uncertain significance (1 of 4 stars; one submission).

Submission:

Labcorp Genetics (formerly Invitae), Labcorp
Classification: Uncertain significance. Last evaluated: 2025-09-04. Review status: criteria provided, single submitter. Criteria: Invitae Variant Classification Sherloc (09022015). Collection method: clinical testing. Allele origin: germline.
Comment: This sequence change replaces glycine, which is neutral and non-polar, with glutamic acid, which is acidic and polar, at codon 10 of the MYH14 protein (p.Gly10Glu). This variant is not present in population databases (gnomAD no frequency). This variant has not been reported in the literature in individuals affected with MYH14-related conditions. An algorithm developed to predict the effect of missense changes on protein structure and function (PolyPhen-2) suggests that this variant is likely to be tolerated. In summary, the available evidence is currently insufficient to determine the role of this variant in disease. Therefore, it has been classified as a Variant of Uncertain Significance.

NM_001145809.2(MYH14):c.29G>A (p.Gly10Glu)

Gene: MYH14 (myosin heavy chain 14; plus strand). Cytogenetic location: 19q13.33.
Variant type: single nucleotide variant.
Coding change: c.29G>A on transcript NM_001145809.2 (MANE Select); coding-DNA position 29, G replaced by A.
Protein change: p.Gly10Glu; replaces glycine 10 with glutamic acid.
Molecular consequence: missense variant.
Genome position (GRCh38, 1-based): chr19:50,210,394, G>A. VCF-style: chr19-50210394-G-A. GRCh37 (hg19) VCF-style: chr19-50713651-G-A.
Other names: c.29G>A, p.Gly10Glu (NM_001077186.2, NM_024729.4); short protein forms G10E.
Identifiers: ClinVar variation 4745700 (VCV004745700.1).